The following is an entry in ClinVar:

ClinVar aggregate classification (germline): Uncertain significance (1 of 4 stars; one submission).

Conditions:
Inborn genetic diseases. Identifiers: MedGen C0950123, MeSH D030342.

Allele frequency attached by ClinVar (database versions not stated): gnomAD exomes below 0.00001.
gnomAD v4.1: 2 of 1,613,316 alleles (0.00012%); highest among the groups gnomAD compares: Non-Finnish European, 0.00017%; no homozygotes.

Submission:

Ambry Genetics
Classification: Uncertain significance for Inborn genetic diseases. Last evaluated: 2023-05-27. Review status: criteria provided, single submitter. Criteria: Ambry Variant Classification Scheme 2023. Collection method: clinical testing. Allele origin: germline.
Comment: The p.Y614C variant (also known as c.1841A>G), located in coding exon 20 of the ERCC2 gene, results from an A to G substitution at nucleotide position 1841. The tyrosine at codon 614 is replaced by cysteine, an amino acid with highly dissimilar properties. This amino acid position is conserved. In addition, this alteration is predicted to be deleterious by in silico analysis. Since supporting evidence is limited at this time, the clinical significance of this alteration remains unclear.

NM_000400.4(ERCC2):c.1841A>G (p.Tyr614Cys)

Gene: ERCC2 (ERCC excision repair 2, TFIIH core complex helicase subunit; minus strand). Cytogenetic location: 19q13.32.
Variant type: single nucleotide variant.
Coding change: c.1841A>G on transcript NM_000400.4 (MANE Select); coding-DNA position 1841, A replaced by G.
Protein change: p.Tyr614Cys; replaces tyrosine 614 with cysteine.
Molecular consequence: missense variant.
Genome position (GRCh38, 1-based): chr19:45,352,807, T>C on the plus strand (A>G on the coding strand, the complement: ERCC2 is on the minus strand). VCF-style: chr19-45352807-T-C. GRCh37 (hg19) VCF-style: chr19-45856065-T-C.
Other names: short protein forms Y614C.
Identifiers: ClinVar variation 2562295 (VCV002562295.2), dbSNP rs1233603139, ClinGen allele CA406363926.